The following is an entry in ClinVar:

ClinVar aggregate classification (germline): Uncertain significance (1 of 4 stars; one submission).

Submission:

Ambry Genetics
Classification: Uncertain significance. Last evaluated: 2024-11-21. Review status: criteria provided, single submitter. Criteria: Ambry Variant Classification Scheme 2023. Collection method: clinical testing. Allele origin: germline.
Comment: The p.G193A variant (also known as c.578G>C), located in coding exon 1 of the CDK12 gene, results from a G to C substitution at nucleotide position 578. The glycine at codon 193 is replaced by alanine, an amino acid with similar properties. This amino acid position is conserved. In addition, this alteration is predicted to be tolerated by in silico analysis. Based on the available evidence, the clinical significance of this variant remains unclear.

NM_016507.4(CDK12):c.578G>C (p.Gly193Ala)

Genes: CDK12 (cyclin dependent kinase 12; plus strand), LOC126862553 (CDK7 strongly-dependent group 2 enhancer GRCh37_chr17:37618166-37619365; plus strand). Cytogenetic location: 17q12.
Variant type: single nucleotide variant.
Coding change: c.578G>C on transcript NM_016507.4 (MANE Select); coding-DNA position 578, G replaced by C.
Protein change: p.Gly193Ala; replaces glycine 193 with alanine.
Molecular consequence: missense variant.
Genome position (GRCh38, 1-based): chr17:39,462,649, G>C. VCF-style: chr17-39462649-G-C. GRCh37 (hg19) VCF-style: chr17-37618902-G-C.
Other names: c.578G>C, p.Gly193Ala (NM_015083.4); short protein forms G193A.
Identifiers: ClinVar variation 3489223 (VCV003489223.1).